The following is an entry in ClinVar:

ClinVar aggregate classification (germline): Uncertain significance. Review status: criteria provided, multiple submitters, no conflicts (2 of 4 stars). 2 submissions from 2 submitters: Uncertain significance (2). Last evaluated 2023-11-08.

Conditions:
Renal cell carcinoma. Identifiers: Orphanet 217071, MedGen C0007134, MeSH D002292, MONDO:0005086, HP:0005584.
Hereditary cancer-predisposing syndrome. Also called: Tumor predisposition; Hereditary neoplastic syndrome; Neoplastic Syndromes, Hereditary; Hereditary Cancer Syndrome. Identifiers: Orphanet 140162, MedGen C0027672, MeSH D009386, MONDO:0015356.

Allele frequency attached by ClinVar (database versions not stated): TOPMed below 0.00001.

Submissions (2):

Labcorp Genetics (formerly Invitae), Labcorp
Classification: Uncertain significance for Renal cell carcinoma. Last evaluated: 2023-11-08. Review status: criteria provided, single submitter. Criteria: Invitae Variant Classification Sherloc (09022015). Collection method: clinical testing. Allele origin: germline.
Comment: This sequence change replaces threonine, which is neutral and polar, with asparagine, which is neutral and polar, at codon 613 of the MET protein (p.Thr613Asn). This variant is not present in population databases (gnomAD no frequency). This variant has not been reported in the literature in individuals affected with MET-related conditions. ClinVar contains an entry for this variant (Variation ID: 1427793). Advanced modeling of protein sequence and biophysical properties (such as structural, functional, and spatial information, amino acid conservation, physicochemical variation, residue mobility, and thermodynamic stability) performed at Invitae indicates that this missense variant is not expected to disrupt MET protein function with a negative predictive value of 80%. In summary, the available evidence is currently insufficient to determine the role of this variant in disease. Therefore, it has been classified as a Variant of Uncertain Significance.

Ambry Genetics
Classification: Uncertain significance for Hereditary cancer-predisposing syndrome. Last evaluated: 2022-11-26. Review status: criteria provided, single submitter. Criteria: Ambry Variant Classification Scheme 2023. Collection method: clinical testing. Allele origin: germline.
Comment: The p.T613N variant (also known as c.1838C>A), located in coding exon 5 of the MET gene, results from a C to A substitution at nucleotide position 1838. The threonine at codon 613 is replaced by asparagine, an amino acid with similar properties. This amino acid position is conserved. In addition, this alteration is predicted to be tolerated by in silico analysis. Since supporting evidence is limited at this time, the clinical significance of this alteration remains unclear.

NM_000245.4(MET):c.1838C>A (p.Thr613Asn)

Gene: MET (MET proto-oncogene, receptor tyrosine kinase; plus strand). Cytogenetic location: 7q31.2.
Variant type: single nucleotide variant.
Coding change: c.1838C>A on transcript NM_000245.4 (MANE Select); coding-DNA position 1838, C replaced by A.
Protein change: p.Thr613Asn; replaces threonine 613 with asparagine.
Molecular consequence: missense variant.
Genome position (GRCh38, 1-based): chr7:116,755,491, C>A. VCF-style: chr7-116755491-C-A. GRCh37 (hg19) VCF-style: chr7-116395545-C-A.
Other names: c.1838C>A, p.Thr613Asn (NM_001127500.3, NM_001324401.3); c.548C>A, p.Thr183Asn (NM_001324402.2); c.1838C>A (NM_001127500.1); short protein forms T183N, T613N.
Identifiers: ClinVar variation 1427793 (VCV001427793.9), dbSNP rs1258088041, ClinGen allele CA368978239.